The following is an entry in ClinVar:

ClinVar aggregate classification (germline): Uncertain significance. Review status: criteria provided, multiple submitters, no conflicts (2 of 4 stars). 2 submissions from 2 submitters: Uncertain significance (2). Last evaluated 2024-10-22.

Conditions:
Nemaline myopathy 2 (NEM2). Also called: Nemaline myopathy 2, autosomal recessive. Identifiers: MedGen C1850569, MONDO:0009725, OMIM 256030.

Allele frequency attached by ClinVar (database versions not stated): TOPMed below 0.00001; gnomAD 0.00001.
gnomAD v4.1: 11 of 1,613,886 alleles (0.00068%); highest among the groups gnomAD compares: Non-Finnish European, 0.00093%; no homozygotes.

Submissions (2):

Blueprint Genetics
Classification: Uncertain significance. Last evaluated: 2024-10-22. Review status: criteria provided, single submitter. Criteria: ACMG Guidelines, 2015. Collection method: clinical testing. Allele origin: germline.

Labcorp Genetics (formerly Invitae), Labcorp
Classification: Uncertain significance for Nemaline myopathy 2. Last evaluated: 2022-05-14. Review status: criteria provided, single submitter. Criteria: Invitae Variant Classification Sherloc (09022015). Collection method: clinical testing. Allele origin: germline.
Comment: This sequence change replaces histidine, which is basic and polar, with tyrosine, which is neutral and polar, at codon 3065 of the NEB protein (p.His3065Tyr). This variant is present in population databases (no rsID available, gnomAD 0.002%). This variant has not been reported in the literature in individuals affected with NEB-related conditions. Algorithms developed to predict the effect of missense changes on protein structure and function are either unavailable or do not agree on the potential impact of this missense change (SIFT: "Deleterious"; PolyPhen-2: "Not Available"; Align-GVGD: "Class C0"). Algorithms developed to predict the effect of sequence changes on RNA splicing suggest that this variant may create or strengthen a splice site. In summary, the available evidence is currently insufficient to determine the role of this variant in disease. Therefore, it has been classified as a Variant of Uncertain Significance.

NM_001164508.2(NEB):c.9193C>T (p.His3065Tyr)

Gene: NEB (nebulin; minus strand). Cytogenetic location: 2q23.3.
Variant type: single nucleotide variant.
Coding change: c.9193C>T on transcript NM_001164508.2 (MANE Select); coding-DNA position 9193, C replaced by T.
Protein change: p.His3065Tyr; replaces histidine 3065 with tyrosine.
Molecular consequence: missense variant. On other transcripts: intron variant (1).
Genome position (GRCh38, 1-based): chr2:151,633,875, G>A on the plus strand (C>T on the coding strand, the complement: NEB is on the minus strand). VCF-style: chr2-151633875-G-A. GRCh37 (hg19) VCF-style: chr2-152490389-G-A.
Other names: c.9193C>T, p.His3065Tyr (NM_001164507.2, NM_001271208.2); c.8854-2697C>T (NM_004543.5); short protein forms H3065Y.
Identifiers: ClinVar variation 2081301 (VCV002081301.2), dbSNP rs1224861071, ClinGen allele CA348803957.